The following is an entry in ClinVar:

ClinVar aggregate classification (germline): Uncertain significance (1 of 4 stars; one submission).

Conditions:
Martsolf syndrome (MARTS). Also called: Congenital cataract with intellectual disability and hypogonadotropic hypogonadism syndrome. Identifiers: Orphanet 1387, MedGen C0796037, MONDO:0023910.
Warburg micro syndrome 2 (WARBM2). Also called: MICRO SYNDROME 2. Identifiers: Orphanet 2510, MedGen C3280214, MONDO:0013641, OMIM 614225.

Allele frequency attached by ClinVar (database versions not stated): gnomAD exomes below 0.00001; TOPMed 0.00001.
gnomAD v4.1: 2 of 1,613,996 alleles (0.00012%); highest among the groups gnomAD compares: Non-Finnish European, 0.00017%; no homozygotes.

Submission:

Labcorp Genetics (formerly Invitae), Labcorp
Classification: Uncertain significance for Martsolf syndrome; Warburg micro syndrome 2. Last evaluated: 2025-06-23. Review status: criteria provided, single submitter. Criteria: Invitae Variant Classification Sherloc (09022015). Collection method: clinical testing. Allele origin: germline.
Comment: This sequence change replaces methionine, which is neutral and non-polar, with threonine, which is neutral and polar, at codon 421 of the RAB3GAP2 protein (p.Met421Thr). This variant is not present in population databases (gnomAD no frequency). This variant has not been reported in the literature in individuals affected with RAB3GAP2-related conditions. ClinVar contains an entry for this variant (Variation ID: 2184284). Invitae Evidence Modeling of protein sequence and biophysical properties (such as structural, functional, and spatial information, amino acid conservation, physicochemical variation, residue mobility, and thermodynamic stability) indicates that this missense variant is expected to disrupt RAB3GAP2 protein function with a positive predictive value of 80%. In summary, the available evidence is currently insufficient to determine the role of this variant in disease. Therefore, it has been classified as a Variant of Uncertain Significance.

NM_012414.4(RAB3GAP2):c.1262T>C (p.Met421Thr)

Gene: RAB3GAP2 (RAB3 GTPase activating non-catalytic protein subunit 2; minus strand). Cytogenetic location: 1q41.
Variant type: single nucleotide variant.
Coding change: c.1262T>C on transcript NM_012414.4 (MANE Select); coding-DNA position 1262, T replaced by C.
Protein change: p.Met421Thr; replaces methionine 421 with threonine.
Molecular consequence: missense variant.
Genome position (GRCh38, 1-based): chr1:220,193,248, A>G on the plus strand (T>C on the coding strand, the complement: RAB3GAP2 is on the minus strand). VCF-style: chr1-220193248-A-G. GRCh37 (hg19) VCF-style: chr1-220366590-A-G.
Other names: short protein forms M421T.
Identifiers: ClinVar variation 2184284 (VCV002184284.2), dbSNP rs1387768304, ClinGen allele CA344645813.